The following is an entry in ClinVar:

ClinVar aggregate classification (germline): Pathogenic (1 of 4 stars; one submission).

Conditions:
ERCC2-related disorder. Also called: ERCC2-related conditions; ERCC2-related condition; ERCC2-related disorders. Identifiers: MedGen CN239291.

Submission:

Myriad Genetics, Inc.
Classification: Pathogenic for ERCC2-related disorder. Last evaluated: 2024-06-18. Review status: criteria provided, single submitter. Criteria: Myriad Autosomal Dominant, Autosomal Recessive and X-Linked Classification Criteria (2023). Collection method: clinical testing. Allele origin: unknown.
Comment: NM_000400.3(ERCC2):c.1420delC(H474Tfs*10) is expected to be pathogenic in the context of ERCC2-related disorders. This variant is predicted to lead to an abnormal or absent protein product due to the creation of a premature termination codon in ERCC2, a gene where loss-of-function variants are known to be pathogenic. Please note: this variant was assessed in the context of healthy population screening.

NM_000400.4(ERCC2):c.1420del (p.His474fs)

Gene: ERCC2 (ERCC excision repair 2, TFIIH core complex helicase subunit; minus strand). Cytogenetic location: 19q13.32.
Variant type: Deletion.
Coding change: c.1420del on transcript NM_000400.4 (MANE Select); coding-DNA position 1420, one base deleted (C; older notation c.1420delC).
Protein change: p.His474fs; shifts the reading frame from histidine 474.
Molecular consequence: frameshift variant. On other transcripts: non-coding transcript variant (3).
Genome position (GRCh38, 1-based): chr19:45,357,329, G deleted on the plus strand (C on the coding strand, the reverse complement: ERCC2 is on the minus strand); the first of 2 consecutive G bases (chr19:45,357,329-45,357,330); deleting either gives the same sequence. VCF-style (leftmost placement, unchanged base first): chr19-45357328-TG-T. GRCh37 (hg19) VCF-style: chr19-45860586-TG-T.
Other names: c.1348del, p.His450fs (NM_001440355.1); c.1342del, p.His448fs (NM_001440356.1); c.1297del, p.His433fs (NM_001440357.1); short protein forms H433fs, H448fs, H450fs, H474fs.
Identifiers: ClinVar variation 5013204 (VCV005013204.1).